The following is an entry in ClinVar:

ClinVar aggregate classification (germline): Pathogenic. Review status: criteria provided, multiple submitters, no conflicts (2 of 4 stars). 3 submissions from 3 submitters: Pathogenic (3). Last evaluated 2025-08-03.

Conditions:
Large congenital melanocytic nevus (CMNS). Also called: Congenital giant melanocytic nevus; PIGMENTED MOLES; Giant hairy nevus; Bathing trunk nevus; Congenital giant pigmented nevus; Giant congenital nevus. Identifiers: Orphanet 626, MedGen C1842036, MONDO:0044792, OMIM 137550, HP:0005600.
Malignant tumor of urinary bladder. Also called: Bladder cancer; Urinary bladder cancer; Urinary Bladder Neoplasms. Identifiers: MedGen C0005684, MONDO:0001187, OMIM 109800.
Costello syndrome (CSTLO). Also called: HRAS-Related Costello Syndrome; FCS SYNDROME; FACIOCUTANEOSKELETAL SYNDROME. Identifiers: Orphanet 3071, MedGen C0587248, MONDO:0009026, OMIM 218040.
Thyroid cancer, nonmedullary, 2 (NMTC2). Also called: THYROID CANCER, NONMEDULLARY, 2, SUSCEPTIBILITY TO; Thyroid carcinoma, follicular, somatic; THYROID CARCINOMA, FOLLICULAR. Identifiers: MedGen C4225426, MONDO:0008566, OMIM 188470.
Linear nevus sebaceous syndrome. Also called: Linear nevus sebaceous; Nevus, Sebaceous of Jadassohn; Sebaceous nevus syndrome and hemimegalencephaly; Linear sebaceous nevus sequence; JADASSOHN NEVUS PHAKOMATOSIS; NEVUS SEBACEUS OF JADASSOHN. Identifiers: Orphanet 2612, MedGen C4552097, MONDO:0008097, OMIM 163200, HP:0010817.
Epidermal nevus. Also called: NEVUS, KERATINOCYTIC, NONEPIDERMOLYTIC; Nevus, epidermal, somatic. Identifiers: Orphanet 79414, MedGen C0334082, MONDO:0008093, OMIM 162900, HP:0010816.

Submissions (3):

Labcorp Genetics (formerly Invitae), Labcorp
Classification: Pathogenic for Costello syndrome. Last evaluated: 2025-08-03. Review status: criteria provided, single submitter. Criteria: Invitae Variant Classification Sherloc (09022015). Collection method: clinical testing. Allele origin: germline.
Comment: This sequence change replaces glycine, which is neutral and non-polar, with valine, which is neutral and non-polar, at codon 60 of the HRAS protein (p.Gly60Val). This variant is not present in population databases (gnomAD no frequency). This missense change has been observed in individual(s) with Costello syndrome and/or RASopathy (PMID: 28027064, 28139825). In at least one individual the variant was observed to be de novo. ClinVar contains an entry for this variant (Variation ID: 391700). Invitae Evidence Modeling of protein sequence and biophysical properties (such as structural, functional, and spatial information, amino acid conservation, physicochemical variation, residue mobility, and thermodynamic stability) indicates that this missense variant is expected to disrupt HRAS protein function with a positive predictive value of 95%. Experimental studies have shown that this missense change affects HRAS function (PMID: 28139825). This variant disrupts the p.Gly60 amino acid residue in HRAS. Other variant(s) that disrupt this residue have been determined to be pathogenic (PMID: 25914166, 26467218, 28139825, 30732632). This suggests that this residue is clinically significant, and that variants that disrupt this residue are likely to be disease-causing. For these reasons, this variant has been classified as Pathogenic.

GeneDx
Classification: Pathogenic. Last evaluated: 2022-09-13. Review status: criteria provided, single submitter. Criteria: GeneDx Variant Classification Process June 2021. Collection method: clinical testing. Allele origin: germline. Affected: yes.
Comment: Published functional studies demonstrate a damaging effect on effector activation resulting in reduced stimulus-dependent downstream signaling activation (PMID: 28139825); Not observed at significant frequency in large population cohorts (gnomAD); In silico analysis supports that this missense variant has a deleterious effect on protein structure/function; Missense variants in this gene are often considered pathogenic (HGMD); This variant is associated with the following publications: (PMID: 24224811, 29493581, 28027064, 28139825)

Center for Genomics, Ann and Robert H. Lurie Children's Hospital of Chicago
Classification: Pathogenic for Malignant tumor of urinary bladder; Thyroid cancer, nonmedullary, 2; Costello syndrome; Epidermal nevus; Linear nevus sebaceous syndrome; Large congenital melanocytic nevus. Review status: criteria provided, single submitter. Criteria: ACMG Guidelines, 2015. Collection method: clinical testing. Allele origin: germline.
Comment: HRAS NM_005343.3 exon 3 p.Gly60Val (c.179G>T): This variant has been reported in the literature as de novo in two individuals with Costello syndrome (Gripp 2017 PMID:28139825, Pelc 2017 PMID:28027064). This variant is not present in large control databases but is present in ClinVar (Variation ID:391700). Evolutionary conservation and computational predictive tools suggest that this variant may impact the protein. In addition, functional studies have shown a deleterious effect of this variant (Gripp 2017 PMID:28139825). However, these studies may not accurately represent in vivo biological function. An additional variant at this amino acid residue (Gly60Asp) has also been reported in association with disease, further supporting the functional importance of this residue. In summary, this variant is classified as pathogenic based on the data above.

Literature cited by the submitters: PubMed 28027064 (cited by Labcorp Genetics (formerly Invitae), Labcorp); PubMed 28139825 (cited by Labcorp Genetics (formerly Invitae), Labcorp); PubMed 25914166 (cited by Labcorp Genetics (formerly Invitae), Labcorp); PubMed 26467218 (cited by Labcorp Genetics (formerly Invitae), Labcorp); PubMed 30732632 (cited by Labcorp Genetics (formerly Invitae), Labcorp).

NM_005343.4(HRAS):c.179G>T (p.Gly60Val)

Genes: HRAS (HRas proto-oncogene, GTPase; minus strand), LRRC56 (leucine rich repeat containing 56; plus strand). Cytogenetic location: 11p15.5.
Variant type: single nucleotide variant.
Coding change: c.179G>T on transcript NM_005343.4 (MANE Select); coding-DNA position 179, G replaced by T.
Protein change: p.Gly60Val; replaces glycine 60 with valine.
Molecular consequence: missense variant. On other transcripts: 5 prime UTR variant (1).
Genome position (GRCh38, 1-based): chr11:533,877, C>A on the plus strand (G>T on the coding strand, the complement: HRAS is on the minus strand). VCF-style: chr11-533877-C-A. GRCh37 (hg19) VCF-style: chr11-533877-C-A.
Other names: c.179G>T, p.Gly60Val (NM_001130442.3, NM_176795.5); c.-141G>T (NM_001318054.2); short protein forms G60V.
Identifiers: ClinVar variation 391700 (VCV000391700.9), dbSNP rs730880460, ClinGen allele CA16606948.